The following is an entry in ClinVar:

ClinVar aggregate classification (germline): Uncertain significance. Review status: criteria provided, multiple submitters, no conflicts (2 of 4 stars). 2 submissions from 2 submitters: Uncertain significance (2). Last evaluated 2025-06-22.

gnomAD v4.1: 3 of 1,614,118 alleles (0.00019%); highest among the groups gnomAD compares: Middle Eastern, 0.016%; no homozygotes.

Submissions (2):

Labcorp Genetics (formerly Invitae), Labcorp
Classification: Uncertain significance. Last evaluated: 2025-06-22. Review status: criteria provided, single submitter. Criteria: Invitae Variant Classification Sherloc (09022015). Collection method: clinical testing. Allele origin: germline.
Comment: This sequence change replaces isoleucine, which is neutral and non-polar, with methionine, which is neutral and non-polar, at codon 834 of the DMXL2 protein (p.Ile834Met). This variant is present in population databases (rs778284524, gnomAD 0.0009%). This variant has not been reported in the literature in individuals affected with DMXL2-related conditions. ClinVar contains an entry for this variant (Variation ID: 3256999). An algorithm developed to predict the effect of missense changes on protein structure and function (PolyPhen-2) suggests that this variant is likely to be disruptive. In summary, the available evidence is currently insufficient to determine the role of this variant in disease. Therefore, it has been classified as a Variant of Uncertain Significance.

CeGaT Center for Human Genetics Tuebingen
Classification: Uncertain significance. Last evaluated: 2024-07-01. Review status: criteria provided, single submitter. Criteria: CeGaT Center For Human Genetics Tuebingen Variant Classification Criteria Version 2. Collection method: clinical testing. Allele origin: germline. Affected: yes. Observed: 1 variant allele.
Comment: DMXL2: PM2

NM_001378457.1(DMXL2):c.2502T>G (p.Ile834Met)

Gene: DMXL2 (Dmx like 2; minus strand). Cytogenetic location: 15q21.2.
Variant type: single nucleotide variant.
Coding change: c.2502T>G on transcript NM_001378457.1 (MANE Select); coding-DNA position 2502, T replaced by G.
Protein change: p.Ile834Met; replaces isoleucine 834 with methionine.
Molecular consequence: missense variant. On other transcripts: non-coding transcript variant (2).
Genome position (GRCh38, 1-based): chr15:51,517,102, A>C on the plus strand (T>G on the coding strand, the complement: DMXL2 is on the minus strand). VCF-style: chr15-51517102-A-C. GRCh37 (hg19) VCF-style: chr15-51809299-A-C.
Other names: c.2502T>G, p.Ile834Met (NM_001378461.1, NM_001378462.1, NM_001378463.1 and 6 more transcripts); c.2262T>G, p.Ile754Met (NM_001378464.1); short protein forms I754M, I834M.
Identifiers: ClinVar variation 3256999 (VCV003256999.18).